The following is an entry in ClinVar:

NM_001174147.2(LMX1B):c.428G>A (p.Cys143Tyr)

Gene: LMX1B (LIM homeobox transcription factor 1 beta; plus strand). Cytogenetic location: 9q33.3.
Variant type: single nucleotide variant.
Coding change: c.428G>A on transcript NM_001174147.2 (MANE Select); coding-DNA position 428, G replaced by A.
Protein change: p.Cys143Tyr; replaces cysteine 143 with tyrosine.
Molecular consequence: missense variant.
Genome position (GRCh38, 1-based): chr9:126,690,937, G>A. VCF-style: chr9-126690937-G-A. GRCh37 (hg19) VCF-style: chr9-129453216-G-A.
Other names: c.428G>A, p.Cys143Tyr (NM_001174146.2, NM_002316.4); short protein forms C143Y.
Identifiers: ClinVar variation 2136810 (VCV002136810.4), dbSNP rs2118986969, ClinGen allele CA374912418.
Genomic context (GRCh38, chr9:126,690,937, plus strand): 5'-CCCCCACCGAGTTCGTGATGCGGGCGCTGGAGTGCGTGTACCACCTGGGCTGCTTCTGCT[G>A]CTGCGTGTGTGAACGGCAGCTACGCAAGGGCGACGAATTCGTGCTCAAGGAGGGCCAGCT-3'
Protein context (NP_001167618.1, residues 133-153): ECVYHLGCFC[Cys143Tyr]CVCERQLRKG

ClinVar aggregate classification (germline): Pathogenic (1 of 4 stars; one submission).

Submission:

Labcorp Genetics (formerly Invitae), Labcorp
Classification: Pathogenic. Last evaluated: 2022-11-22. Review status: criteria provided, single submitter. Criteria: Invitae Variant Classification Sherloc (09022015). Collection method: clinical testing. Allele origin: germline.
Comment: This sequence change replaces cysteine, which is neutral and slightly polar, with tyrosine, which is neutral and polar, at codon 143 of the LMX1B protein (p.Cys143Tyr). This variant is not present in population databases (gnomAD no frequency). This missense change has been observed in individuals with clinical features of nail-patella syndrome (PMID: 15498463, 15928687; Invitae). It has also been observed to segregate with disease in related individuals. This variant is also known as c.359G>A (p.C120Y). Advanced modeling of protein sequence and biophysical properties (such as structural, functional, and spatial information, amino acid conservation, physicochemical variation, residue mobility, and thermodynamic stability) performed at Invitae indicates that this missense variant is expected to disrupt LMX1B protein function. This variant disrupts the p.Cys143 amino acid residue in LMX1B. Other variant(s) that disrupt this residue have been determined to be pathogenic (PMID: 10571942; Invitae). This suggests that this residue is clinically significant, and that variants that disrupt this residue are likely to be disease-causing. For these reasons, this variant has been classified as Pathogenic.

Literature cited by the submitters: PubMed 15498463; PubMed 15928687; PubMed 10571942.